The following is an entry in ClinVar:

NM_001260.3(CDK8):c.101A>C (p.His34Pro)

Gene: CDK8 (cyclin dependent kinase 8; plus strand). Cytogenetic location: 13q12.13.
Variant type: single nucleotide variant.
Coding change: c.101A>C on transcript NM_001260.3 (MANE Select); coding-DNA position 101, A replaced by C.
Protein change: p.His34Pro; replaces histidine 34 with proline.
Molecular consequence: missense variant. On other transcripts: 5 prime UTR variant (1).
Genome position (GRCh38, 1-based): chr13:26,254,742, A>C. VCF-style: chr13-26254742-A-C. GRCh37 (hg19) VCF-style: chr13-26828879-A-C.
Other names: c.101A>C, p.His34Pro (NM_001318368.2); c.-361A>C (NM_001346501.2); short protein forms H34P.
Identifiers: ClinVar variation 4531450 (VCV004531450.1).
Genomic context (GRCh38, chr13:26,254,742, plus strand): 5'-AGCGGGTCGAGGACCTGTTTGAATACGAGGGCTGCAAAGTTGGCCGAGGCACTTATGGTC[A>C]CGTCTACAAAGCCAAGAGGAAAGATGGGTGAGTGTGTGTGTCTGGGCCGGTGTCCGCGCT-3'
Protein context (NP_001251.1, residues 24-44): GCKVGRGTYG[His34Pro]VYKAKRKDGK

ClinVar aggregate classification (germline): Likely pathogenic (1 of 4 stars; one submission).

Conditions:
Intellectual developmental disorder with hypotonia and behavioral abnormalities. Identifiers: MedGen C5231489, MONDO:0032897, OMIM 618748.

Submission:

Victorian Clinical Genetics Services, Murdoch Childrens Research Institute
Classification: Likely pathogenic for Intellectual developmental disorder with hypotonia and behavioral abnormalities. Last evaluated: 2024-11-26. Review status: criteria provided, single submitter. Criteria: ACMG Guidelines, 2015. Collection method: clinical testing. Allele origin: germline. Affected: yes.
Comment: This variant is classified as Likely pathogenic. Evidence in support of pathogenic classification: Variant is absent from gnomAD (v2, v3 and v4); Additional information: Variant is predicted to result in a missense amino acid change from histidine to proline; This variant is heterozygous; This gene is associated with autosomal dominant disease; An alternative amino acid change at the same position has been observed in gnomAD (v4: 2 heterozygote(s), 0 homozygote(s)); This variant has no previous evidence of pathogenicity; No published segregation evidence has been identified for this variant; No published functional evidence has been identified for this variant; Another missense variant(s) comparable to the one identified in this case has inconclusive previous evidence for pathogenicity. p.(His34Asp) and p.(His34Tyr) are classified as a VUS by clinical laboratories in ClinVar; Variant is located in the annotated protein kinase domain (DECIPHER); Missense variant with conflicting in silico predictions and uninformative conservation; The mechanism of disease for this gene is not clearly established. However, there is some published evidence supporting a loss of function mechanism (PMID: 30905399).

Literature cited by the submitters: PubMed 30905399.